The following is an entry in ClinVar:

NM_001005498.4(RHBDF2):c.1397G>A (p.Arg466Gln)

Gene: RHBDF2 (rhomboid 5 homolog 2; minus strand). Cytogenetic location: 17q25.1.
Variant type: single nucleotide variant.
Coding change: c.1397G>A on transcript NM_001005498.4 (MANE Select); coding-DNA position 1397, G replaced by A.
Protein change: p.Arg466Gln; replaces arginine 466 with glutamine.
Molecular consequence: missense variant. On other transcripts: non-coding transcript variant (3).
Genome position (GRCh38, 1-based): chr17:76,474,440, C>T on the plus strand (G>A on the coding strand, the complement: RHBDF2 is on the minus strand). VCF-style: chr17-76474440-C-T. GRCh37 (hg19) VCF-style: chr17-74470522-C-T.
Other names: c.1397G>A, p.Arg466Gln (NM_001376228.1, NM_001376229.1, NM_001376230.1); c.1484G>A, p.Arg495Gln (NM_024599.5); short protein forms R466Q, R495Q.
Identifiers: ClinVar variation 2678335 (VCV002678335.3), dbSNP rs760515370, ClinGen allele CA8787007.
Genomic context (GRCh38, chr17:76,474,440, plus strand): 5'-TCCTTCCGCTGGGTCTGGATGCATCCGGAGTGGTCATTCTGGACACAGCAGCCTGAGTCC[C>T]GCTCCAGGTCTCGCTCGCGCAGCACCAGCTGCTCGATCTGCCCGTCCTTCCGGATGCAGG-3'
Protein context (NP_001005498.2, residues 456-476): QLVLRERDLE[Arg466Gln]DSGCCVQNDH

ClinVar aggregate classification (germline): Uncertain significance. Review status: criteria provided, multiple submitters, no conflicts (2 of 4 stars). 2 submissions from 2 submitters: Uncertain significance (2). Last evaluated 2024-08-19.

Conditions:
Palmoplantar keratoderma-esophageal carcinoma syndrome (TOC). Also called: Tylosis with Esophageal Cancer; PALMOPLANTAR KERATODERMA WITH ESOPHAGEAL CANCER; KERATOSIS PALMARIS ET PLANTARIS WITH ESOPHAGEAL CANCER. Identifiers: Orphanet 2198, MedGen C1835664, MONDO:0007856, OMIM 148500.

Allele frequency attached by ClinVar (database versions not stated): ExAC 0.00001; gnomAD 0.00001; TOPMed 0.00003; gnomAD exomes 0.00007.
gnomAD v4.1: 102 of 1,613,928 alleles (0.0063%); highest among the groups gnomAD compares: Non-Finnish European, 0.0079%; no homozygotes.

Submissions (2):

Labcorp Genetics (formerly Invitae), Labcorp
Classification: Uncertain significance. Last evaluated: 2024-08-19. Review status: criteria provided, single submitter. Criteria: Invitae Variant Classification Sherloc (09022015). Collection method: clinical testing. Allele origin: germline.
Comment: This sequence change replaces arginine, which is basic and polar, with glutamine, which is neutral and polar, at codon 495 of the RHBDF2 protein (p.Arg495Gln). This variant is present in population databases (rs760515370, gnomAD 0.009%). This variant has not been reported in the literature in individuals affected with RHBDF2-related conditions. An algorithm developed to predict the effect of missense changes on protein structure and function outputs the following: PolyPhen-2: "Benign". The glutamine amino acid residue is found in multiple mammalian species, which suggests that this missense change does not adversely affect protein function. In summary, the available evidence is currently insufficient to determine the role of this variant in disease. Therefore, it has been classified as a Variant of Uncertain Significance.

Baylor Genetics
Classification: Uncertain significance for Palmoplantar keratoderma-esophageal carcinoma syndrome. Last evaluated: 2023-10-10. Review status: criteria provided, single submitter. Criteria: ACMG Guidelines, 2015. Collection method: clinical testing. Allele origin: unknown.